The following is an entry in ClinVar:

NM_001329943.3(KIAA0586):c.1576A>T (p.Thr526Ser)

Gene: KIAA0586 (KIAA0586; plus strand). Cytogenetic location: 14q23.1.
Variant type: single nucleotide variant.
Coding change: c.1576A>T on transcript NM_001329943.3 (MANE Select); coding-DNA position 1576, A replaced by T.
Protein change: p.Thr526Ser; replaces threonine 526 with serine.
Molecular consequence: missense variant.
Genome position (GRCh38, 1-based): chr14:58,457,972, A>T. VCF-style: chr14-58457972-A-T. GRCh37 (hg19) VCF-style: chr14-58924690-A-T.
Other names: c.1735A>T, p.Thr579Ser (NM_001244189.2); c.1531A>T, p.Thr511Ser (NM_001244190.2); c.1321A>T, p.Thr441Ser (NM_001244191.2, NM_001329945.2, NM_001364700.1 and 1 more transcripts); c.1444A>T, p.Thr482Ser (NM_001244192.2); c.1156A>T, p.Thr386Ser (NM_001244193.2); c.1576A>T, p.Thr526Ser (NM_001329944.2, NM_001329946.2, NM_001329947.2 and 1 more transcripts); short protein forms T441S, T511S, T526S, T579S, T386S, T482S.
Identifiers: ClinVar variation 2119345 (VCV002119345.4), dbSNP rs2040016806, ClinGen allele CA389869016.
Genomic context (GRCh38, chr14:58,457,972, plus strand): 5'-GAAGCTATTATTCGTGCAAAAGATGGAGCTGCCATGTATTCGCTTATCAATGCTTTATCT[A>T]CCAACAGGTAAGAGGATGTTGGCATCCAGGGTTATTTATGAGTCTGTCAGTTCCACTTTC-3'
Protein context (NP_001316872.1, residues 516-536): AMYSLINALS[Thr526Ser]NREMSEKIRI

ClinVar aggregate classification (germline): Uncertain significance (1 of 4 stars; one submission).

Conditions:
Joubert syndrome 23 (JBTS23). Identifiers: Orphanet 475, MedGen C4084822, MONDO:0014664, OMIM 616490.
Short-rib thoracic dysplasia 14 with polydactyly (SRTD14). Identifiers: Orphanet 397715, MedGen C4225286, MONDO:0014688, OMIM 616546.

Submission:

Labcorp Genetics (formerly Invitae), Labcorp
Classification: Uncertain significance for Joubert syndrome 23; Short-rib thoracic dysplasia 14 with polydactyly. Last evaluated: 2024-02-24. Review status: criteria provided, single submitter. Criteria: Invitae Variant Classification Sherloc (09022015). Collection method: clinical testing. Allele origin: germline.
Comment: This sequence change replaces threonine, which is neutral and polar, with serine, which is neutral and polar, at codon 579 of the KIAA0586 protein (p.Thr579Ser). This variant is not present in population databases (gnomAD no frequency). This variant has not been reported in the literature in individuals affected with KIAA0586-related conditions. ClinVar contains an entry for this variant (Variation ID: 2119345). Advanced modeling of protein sequence and biophysical properties (such as structural, functional, and spatial information, amino acid conservation, physicochemical variation, residue mobility, and thermodynamic stability) performed at Invitae indicates that this missense variant is not expected to disrupt KIAA0586 protein function with a negative predictive value of 80%. In summary, the available evidence is currently insufficient to determine the role of this variant in disease. Therefore, it has been classified as a Variant of Uncertain Significance.